The following is an entry in ClinVar:

NM_001371623.1(TCOF1):c.2642C>T (p.Ala881Val)

Gene: TCOF1 (treacle ribosome biogenesis factor 1; plus strand). Cytogenetic location: 5q32.
Variant type: single nucleotide variant.
Coding change: c.2642C>T on transcript NM_001371623.1 (MANE Select); coding-DNA position 2642, C replaced by T.
Protein change: p.Ala881Val; replaces alanine 881 with valine.
Molecular consequence: missense variant.
Genome position (GRCh38, 1-based): chr5:150,379,392, C>T. VCF-style: chr5-150379392-C-T. GRCh37 (hg19) VCF-style: chr5-149758955-C-T.
Other names: c.2642C>T (NM_001135243.1); c.2411C>T, p.Ala804Val (NM_000356.4, NM_001135245.2); c.2642C>T, p.Ala881Val (NM_001008657.3, NM_001135243.2, NM_001135244.2 and 1 more transcripts); short protein forms A804V, A881V.
Identifiers: ClinVar variation 3707737 (VCV003707737.4).

ClinVar aggregate classification (germline): Uncertain significance. Review status: criteria provided, multiple submitters, no conflicts (2 of 4 stars). 3 submissions from 3 submitters: Uncertain significance (3). Last evaluated 2025-08-31.

Conditions:
Treacher Collins syndrome 1 (TCS1). Also called: TCOF1-Related Treacher Collins Syndrome. Identifiers: Orphanet 861, MedGen CN315775, MONDO:0007944, OMIM 154500.
Inborn genetic diseases. Identifiers: MedGen C0950123, MeSH D030342.

gnomAD v4.1: 8 of 1,613,912 alleles (0.0005%); highest among the groups gnomAD compares: East Asian, 0.0045%; no homozygotes.

Submissions (3):

Ambry Genetics
Classification: Uncertain significance for Inborn genetic diseases. Last evaluated: 2025-08-31. Review status: criteria provided, single submitter. Criteria: Ambry Variant Classification Scheme 2023. Collection method: clinical testing. Allele origin: germline.

GeneDx
Classification: Uncertain significance. Last evaluated: 2025-07-16. Review status: criteria provided, single submitter. Criteria: GeneDx Variant Classification Process June 2021. Collection method: clinical testing. Allele origin: germline. Affected: yes.
Comment: In silico analysis suggests that this missense variant does not alter protein structure/function; Has not been previously published as pathogenic or benign to our knowledge

Labcorp Genetics (formerly Invitae), Labcorp
Classification: Uncertain significance for Treacher Collins syndrome 1. Last evaluated: 2025-01-06. Review status: criteria provided, single submitter. Criteria: Invitae Variant Classification Sherloc (09022015). Collection method: clinical testing. Allele origin: germline.
Comment: This sequence change replaces alanine, which is neutral and non-polar, with valine, which is neutral and non-polar, at codon 881 of the TCOF1 protein (p.Ala881Val). This variant is present in population databases (rs770059609, gnomAD 0.01%). This variant has not been reported in the literature in individuals affected with TCOF1-related conditions. Invitae Evidence Modeling of protein sequence and biophysical properties (such as structural, functional, and spatial information, amino acid conservation, physicochemical variation, residue mobility, and thermodynamic stability) indicates that this missense variant is not expected to disrupt TCOF1 protein function with a negative predictive value of 80%. In summary, the available evidence is currently insufficient to determine the role of this variant in disease. Therefore, it has been classified as a Variant of Uncertain Significance.